The following is an entry in ClinVar:

ClinVar aggregate classification (germline): Likely benign. Review status: criteria provided, single submitter (1 of 4 stars). 2 submissions from 2 submitters: Likely benign (1). 1 of the submissions does not count toward it. Last evaluated 2025-04-09.

Conditions:
PPP1R13L-related disorder. Also called: PPP1R13L-related condition.

Allele frequency attached by ClinVar (database versions not stated): 1000 Genomes Project 0.00020; 1000 Genomes Project 30x 0.00062; TOPMed 0.00176; gnomAD 0.00186; ESP Exome Variant Server 0.00188; ExAC 0.00375.
gnomAD v4.1: 4,558 of 1,368,364 alleles (0.33%); highest among the groups gnomAD compares: Non-Finnish European, 0.41%; 8 homozygotes.

Submissions (2):

Molecular Diagnostic Laboratory for Inherited Cardiovascular Disease, Montreal Heart Institute
Classification: Likely benign. Last evaluated: 2025-04-09. Review status: criteria provided, single submitter. Criteria: ACMG Guidelines, 2015. Collection method: clinical testing. Allele origin: germline. Affected: no.
Comment: BS1;BP4;BP5

PreventionGenetics, part of Exact Sciences
Classification: Likely benign for PPP1R13L-related condition. Last evaluated: 2023-05-25. Review status: no assertion criteria provided. Collection method: clinical testing. Allele origin: germline. Not counted in ClinVar's aggregate classification.
Comment: This variant is classified as likely benign based on ACMG/AMP sequence variant interpretation guidelines (Richards et al. 2015 PMID: 25741868, with internal and published modifications).

NM_006663.4(PPP1R13L):c.236T>G (p.Phe79Cys)

Gene: PPP1R13L (protein phosphatase 1 regulatory subunit 13 like; minus strand). Cytogenetic location: 19q13.32.
Variant type: single nucleotide variant.
Coding change: c.236T>G on transcript NM_006663.4 (MANE Select); coding-DNA position 236, T replaced by G.
Protein change: p.Phe79Cys; replaces phenylalanine 79 with cysteine.
Molecular consequence: missense variant.
Genome position (GRCh38, 1-based): chr19:45,397,021, A>C on the plus strand (T>G on the coding strand, the complement: PPP1R13L is on the minus strand). VCF-style: chr19-45397021-A-C. GRCh37 (hg19) VCF-style: chr19-45900279-A-C.
Other names: c.236T>G, p.Phe79Cys (NM_001142502.2); short protein forms F79C.
Identifiers: ClinVar variation 3052895 (VCV003052895.3), dbSNP rs201321657, ClinGen allele CA9514712.